The following is an entry in ClinVar:

NM_000059.4(BRCA2):c.7990del (p.Ile2664fs)

Gene: BRCA2 (BRCA2 DNA repair associated; plus strand). Cytogenetic location: 13q13.1.
Variant type: Deletion.
Coding change: c.7990del on transcript NM_000059.4 (MANE Select); coding-DNA position 7990, one base deleted (A; older notation c.7990delA).
Protein change: p.Ile2664fs; shifts the reading frame from isoleucine 2664.
Molecular consequence: frameshift variant.
Genome position (GRCh38, 1-based): chr13:32,363,192, A deleted; the last of 3 consecutive A bases (chr13:32,363,190-32,363,192); deleting any one gives the same sequence. VCF-style (leftmost placement, unchanged base first): chr13-32363189-GA-G. GRCh37 (hg19) VCF-style: chr13-32937326-GA-G.
Other names: c.7990delA (NM_000059.3); short protein forms I2664fs.
Identifiers: ClinVar variation 254617 (VCV000254617.2), dbSNP rs886038179, ClinGen allele CA10586585.

ClinVar aggregate classification (germline): Pathogenic (3 of 4 stars; one submission).

Conditions:
Breast-ovarian cancer, familial, susceptibility to, 2 (BROVCA2). Also called: BRCA2 Hereditary Breast and Ovarian Cancer. Identifiers: Orphanet 145, MedGen C2675520, MONDO:0012933, OMIM 612555. Disease mechanism: loss of function.

Submission:

Evidence-based Network for the Interpretation of Germline Mutant Alleles (ENIGMA)
Classification: Pathogenic for Breast-ovarian cancer, familial, susceptibility to, 2. Last evaluated: 2016-09-08. Review status: reviewed by expert panel. Criteria: ENIGMA BRCA1/2 Classification Criteria (2015). Collection method: curation. Allele origin: germline.
Comment: Variant allele predicted to encode a truncated non-functional protein.